The following is an entry in ClinVar:

ClinVar aggregate classification (germline): Uncertain significance. Review status: criteria provided, multiple submitters, no conflicts (2 of 4 stars). 2 submissions from 2 submitters: Uncertain significance (2). Last evaluated 2024-07-17.

Conditions:
PMM2-congenital disorder of glycosylation. Also called: CDG Ia; JAEKEN SYNDROME; PHOSPHOMANNOMUTASE 2 DEFICIENCY; CARBOHYDRATE-DEFICIENT GLYCOPROTEIN SYNDROME, TYPE Ia; PMM2-CDG; Congenital disorder of glycosylation, type Ia. Identifiers: Orphanet 79318, MedGen C0349653, MONDO:0008907, OMIM 212065.

gnomAD v4.1: 10 of 1,610,246 alleles (0.00062%); highest among the groups gnomAD compares: Non-Finnish European, 0.00085%; no homozygotes.

Submissions (2):

Labcorp Genetics (formerly Invitae), Labcorp
Classification: Uncertain significance for PMM2-congenital disorder of glycosylation. Last evaluated: 2024-07-17. Review status: criteria provided, single submitter. Criteria: Invitae Variant Classification Sherloc (09022015). Collection method: clinical testing. Allele origin: germline.
Comment: This sequence change replaces aspartic acid, which is acidic and polar, with alanine, which is neutral and non-polar, at codon 14 of the PMM2 protein (p.Asp14Ala). This variant is not present in population databases (gnomAD no frequency). This variant has not been reported in the literature in individuals affected with PMM2-related conditions. Advanced modeling of protein sequence and biophysical properties (such as structural, functional, and spatial information, amino acid conservation, physicochemical variation, residue mobility, and thermodynamic stability) performed at Invitae indicates that this missense variant is expected to disrupt PMM2 protein function with a positive predictive value of 95%. In summary, the available evidence is currently insufficient to determine the role of this variant in disease. Therefore, it has been classified as a Variant of Uncertain Significance.

Fulgent Genetics
Classification: Uncertain significance for PMM2-congenital disorder of glycosylation. Last evaluated: 2024-05-08. Review status: criteria provided, single submitter. Criteria: ACMG Guidelines, 2015. Collection method: clinical testing. Allele origin: germline.

NM_000303.3(PMM2):c.41A>C (p.Asp14Ala)

Gene: PMM2 (phosphomannomutase 2; plus strand). Cytogenetic location: 16p13.2.
Variant type: single nucleotide variant.
Coding change: c.41A>C on transcript NM_000303.3 (MANE Select); coding-DNA position 41, A replaced by C.
Protein change: p.Asp14Ala; replaces aspartic acid 14 with alanine.
Molecular consequence: missense variant.
Genome position (GRCh38, 1-based): chr16:8,797,923, A>C. VCF-style: chr16-8797923-A-C. GRCh37 (hg19) VCF-style: chr16-8891780-A-C.
Other names: short protein forms D14A.
Identifiers: ClinVar variation 3581374 (VCV003581374.3).